The following is an entry in ClinVar:

ClinVar aggregate classification (germline): Benign. Review status: criteria provided, multiple submitters, no conflicts (2 of 4 stars). 2 submissions from 2 submitters: Benign (2). Last evaluated 2018-01-13.

Conditions:
Autosomal recessive limb-girdle muscular dystrophy type 2N. Also called: MUSCULAR DYSTROPHY-DYSTROGLYCANOPATHY, LIMB-GIRDLE, POMT2-RELATED; Muscular dystrophy-dystroglycanopathy (limb-girdle), type C, 2. Identifiers: Orphanet 206559, MedGen C3150418, MONDO:0013162, OMIM 613158.

Allele frequency attached by ClinVar (database versions not stated): gnomAD 0.22179 and 0.22752; TOPMed 0.23801; 1000 Genomes Project 30x 0.28826; 1000 Genomes Project 0.29133.

Submissions (2):

Illumina Laboratory Services, Illumina
Classification: Benign for Autosomal recessive limb-girdle muscular dystrophy type 2N. Last evaluated: 2018-01-13. Review status: criteria provided, single submitter. Criteria: ICSL Variant Classification Criteria 13 December 2019. Collection method: clinical testing. Allele origin: germline.
Comment: This variant was observed in the ICSL laboratory as part of a predisposition screen in an ostensibly healthy population. It had not been previously curated by ICSL or reported in the Human Gene Mutation Database (HGMD: prior to June 1st, 2018), and was therefore a candidate for classification through an automated scoring system. Utilizing variant allele frequency, disease prevalence and penetrance estimates, and inheritance mode, an automated score was calculated to assess if this variant is too frequent to cause the disease. Based on the score and internal cut-off values, a variant classified as benign is not then subjected to further curation. The score for this variant resulted in a classification of benign for this disease.

Breakthrough Genomics
Classification: Benign. Review status: criteria provided, single submitter. Criteria: ACMG Guidelines, 2015. Collection method: not provided. Allele origin: germline. Inheritance: Autosomal recessive inheritance. Affected: yes.

NM_013382.7(POMT2):c.*2325A>G

Gene: POMT2 (protein O-mannosyltransferase 2; minus strand). Cytogenetic location: 14q24.3.
Variant type: single nucleotide variant.
Coding change: c.*2325A>G on transcript NM_013382.7 (MANE Select); 2325 bases downstream of the stop codon, A replaced by G.
Molecular consequence: 3 prime UTR variant.
Genome position (GRCh38, 1-based): chr14:77,275,051, T>C on the plus strand (A>G on the coding strand, the complement: POMT2 is on the minus strand). VCF-style: chr14-77275051-T-C. GRCh37 (hg19) VCF-style: chr14-77741394-T-C.
Identifiers: ClinVar variation 314507 (VCV000314507.6), dbSNP rs11547793, ClinGen allele CA10635376.